The following is an entry in ClinVar:

NM_152384.3(BBS5):c.444del (p.Asn149fs)

Gene: BBS5 (Bardet-Biedl syndrome 5; plus strand). Cytogenetic location: 2q31.1.
Variant type: Deletion.
Coding change: c.444del on transcript NM_152384.3 (MANE Select); coding-DNA position 444, one base deleted (G; older notation c.444delG).
Protein change: p.Asn149fs; shifts the reading frame from asparagine 149.
Molecular consequence: frameshift variant.
Genome position (GRCh38, 1-based): chr2:169,492,931, G deleted. VCF-style (leftmost placement, unchanged base first): chr2-169492930-AG-A. GRCh37 (hg19) VCF-style: chr2-170349440-AG-A.
Other names: short protein forms N149fs.
Identifiers: ClinVar variation 3023492 (VCV003023492.4), dbSNP rs1433293836, ClinGen allele CA537569889.
Genomic context (GRCh38, chr2:169,492,930, plus strand): 5'-ATAGAGCTTATGAAACTTCTAAAATGTATCGTGATTTTAAATTAAGAAGTGCACTAATTC[AG>A]AACAAGCAACTAAGACTGTTGCCACAAGAACATGTATATGATAAAATAAATGGAGTTTGG-3'

ClinVar aggregate classification (germline): Pathogenic/Likely pathogenic. Review status: criteria provided, multiple submitters, no conflicts (2 of 4 stars). 2 submissions from 2 submitters: Pathogenic (1); Likely pathogenic (1). Last evaluated 2024-03-13.

Conditions:
Bardet-Biedl syndrome (BBS). Identifiers: Orphanet 110, MedGen C0752166, MONDO:0015229.
Bardet-Biedl syndrome 5 (BBS5). Identifiers: Orphanet 110, MedGen C3892039, MONDO:0014434, OMIM 615983.

Allele frequency attached by ClinVar (database versions not stated): gnomAD exomes below 0.00001; TOPMed below 0.00001.

Submissions (2):

Fulgent Genetics
Classification: Likely pathogenic for Bardet-Biedl syndrome 5. Last evaluated: 2024-03-13. Review status: criteria provided, single submitter. Criteria: ACMG Guidelines, 2015. Collection method: clinical testing. Allele origin: germline.

Labcorp Genetics (formerly Invitae), Labcorp
Classification: Pathogenic for Bardet-Biedl syndrome. Last evaluated: 2023-12-29. Review status: criteria provided, single submitter. Criteria: Invitae Variant Classification Sherloc (09022015). Collection method: clinical testing. Allele origin: germline.
Comment: This sequence change creates a premature translational stop signal (p.Asn149Thrfs*4) in the BBS5 gene. It is expected to result in an absent or disrupted protein product. Loss-of-function variants in BBS5 are known to be pathogenic (PMID: 15137946, 16877420, 26325687, 27708425, 28041643, 29806606). This variant is present in population databases (no rsID available, gnomAD 0.003%). This variant has not been reported in the literature in individuals affected with BBS5-related conditions. Algorithms developed to predict the effect of sequence changes on RNA splicing suggest that this variant may disrupt the consensus splice site. For these reasons, this variant has been classified as Pathogenic.

Literature cited by the submitters: PubMed 15137946 (cited by Labcorp Genetics (formerly Invitae), Labcorp); PubMed 16877420 (cited by Labcorp Genetics (formerly Invitae), Labcorp); PubMed 26325687 (cited by Labcorp Genetics (formerly Invitae), Labcorp); PubMed 27708425 (cited by Labcorp Genetics (formerly Invitae), Labcorp); PubMed 28041643 (cited by Labcorp Genetics (formerly Invitae), Labcorp); PubMed 29806606 (cited by Labcorp Genetics (formerly Invitae), Labcorp).